The following is an entry in ClinVar:

NM_001048174.2(MUTYH):c.1142G>A (p.Trp381Ter)

Gene: MUTYH (mutY DNA glycosylase; minus strand). Cytogenetic location: 1p34.1.
Variant type: single nucleotide variant.
Coding change: c.1142G>A on transcript NM_001048174.2 (MANE Select); coding-DNA position 1142, G replaced by A.
Protein change: p.Trp381Ter; replaces tryptophan 381 with a stop codon.
Molecular consequence: nonsense. On other transcripts: non-coding transcript variant (2).
Genome position (GRCh38, 1-based): chr1:45,331,517, C>T on the plus strand (G>A on the coding strand, the complement: MUTYH is on the minus strand). VCF-style: chr1-45331517-C-T. GRCh37 (hg19) VCF-style: chr1-45797189-C-T.
Other names: c.866G>A, p.Trp289Ter (NM_001293196.2, NM_001293192.2, NM_001407091.1); c.797G>A, p.Trp266Ter (NM_001350650.2, NM_001350651.2, NM_001407082.1); c.1175G>A, p.Trp392Ter (NM_001407069.1, NM_001293191.2, NM_001407077.1); c.1142G>A, p.Trp381Ter (NM_001407070.1, NM_001407072.1, NM_001407073.1 and 6 more transcripts); c.1145G>A, p.Trp382Ter (NM_001407071.1, NM_001048172.2, NM_001407078.1 and 1 more transcripts); c.1226G>A, p.Trp409Ter (NM_001128425.2); c.1187G>A, p.Trp396Ter (NM_001293190.2); c.1058G>A, p.Trp353Ter (NM_001407075.1); and 5 more; short protein forms W353*, W367*, W409*, W289*, W388*, W396*, W381*, W382*.
Identifiers: ClinVar variation 1754335 (VCV001754335.2), dbSNP rs2523964937, ClinGen allele CA340133048.
Genomic context (GRCh38, chr1:45,331,517, plus strand): 5'-CCAGCCCAACGCTGTAGTTCCTGCAGCAGGGCCTTGCGCTGAAGCTGCTCTGAGGGCTCC[C>T]AGGTCACGGACGGGAACTCCCACAGTCCTGCCAGCAGACCTGAGAGGGAGGGCAGCCAGG-3'

ClinVar aggregate classification (germline): Pathogenic (1 of 4 stars; one submission).

Conditions:
Hereditary cancer-predisposing syndrome. Also called: Neoplastic Syndromes, Hereditary; Tumor predisposition; Hereditary Cancer Syndrome; Hereditary neoplastic syndrome. Identifiers: Orphanet 140162, MedGen C0027672, MeSH D009386, MONDO:0015356.

Submission:

Ambry Genetics
Classification: Pathogenic for Hereditary cancer-predisposing syndrome. Last evaluated: 2022-07-29. Review status: criteria provided, single submitter. Criteria: Ambry Variant Classification Scheme 2023. Collection method: clinical testing. Allele origin: germline.
Comment: The p.W409* pathogenic mutation (also known as c.1226G>A), located in coding exon 13 of the MUTYH gene, results from a G to A substitution at nucleotide position 1226. This changes the amino acid from a tryptophan to a stop codon within coding exon 13. This variant is considered to be rare based on population cohorts in the Genome Aggregation Database (gnomAD). This alteration is expected to result in loss of function by premature protein truncation or nonsense-mediated mRNA decay. As such, this alteration is interpreted as a disease-causing mutation.